The following is an entry in ClinVar:

NC_000021.9:g.43403465G>T

Gene: SIK1 (salt inducible kinase 1; minus strand). Cytogenetic location: 21q22.3.
Variant type: single nucleotide variant.
Genome position: GRCh38 VCF-style: chr21-43403465-G-T. GRCh37 (hg19) VCF-style: chr21-44823345-G-T.
Identifiers: ClinVar variation 1711544 (VCV001711544.30), dbSNP rs75320693, ClinGen allele CA321320039.

ClinVar aggregate classification (germline): Benign (1 of 4 stars; one submission).

Allele frequency attached by ClinVar (database versions not stated): 1000 Genomes Project 0.00280.

Submission:

CeGaT Center for Human Genetics Tuebingen
Classification: Benign. Last evaluated: 2023-07-01. Review status: criteria provided, single submitter. Criteria: CeGaT Center For Human Genetics Tuebingen Variant Classification Criteria Version 2. Collection method: clinical testing. Allele origin: germline. Affected: yes. Observed: 23 variant alleles.
Comment: SIK1: BS1, BS2